The following is an entry in ClinVar:

ClinVar aggregate classification (germline): Uncertain significance. Review status: criteria provided, multiple submitters, no conflicts (2 of 4 stars). 2 submissions from 2 submitters: Uncertain significance (2). Last evaluated 2025-08-05.

Conditions:
BSND-related disorder. Also called: BSND-related condition.
Inborn genetic diseases. Identifiers: MedGen C0950123, MeSH D030342.

gnomAD v4.1: 31 of 1,614,092 alleles (0.0019%); highest among the groups gnomAD compares: Middle Eastern, 0.016%; no homozygotes.

Submissions (2):

PreventionGenetics, part of Exact Sciences
Classification: Uncertain significance for BSND-related condition. Last evaluated: 2025-08-05. Review status: criteria provided, single submitter. Criteria: ACMG Guidelines, 2015. Collection method: clinical testing. Allele origin: germline.
Comment: The BSND c.385C>T variant is predicted to result in the amino acid substitution p.Arg129Cys. To our knowledge, this variant has not been reported in the literature. This variant is reported in 0.0065% of alleles in individuals of South Asian descent in gnomAD. At this time, the clinical significance of this variant is uncertain due to the absence of conclusive functional and genetic evidence.

Ambry Genetics
Classification: Uncertain significance for Inborn genetic diseases. Last evaluated: 2025-04-06. Review status: criteria provided, single submitter. Criteria: Ambry Variant Classification Scheme 2023. Collection method: clinical testing. Allele origin: germline.

NM_057176.3(BSND):c.385C>T (p.Arg129Cys)

Gene: BSND (barttin CLCNK type accessory subunit beta; plus strand). Cytogenetic location: 1p32.3.
Variant type: single nucleotide variant.
Coding change: c.385C>T on transcript NM_057176.3 (MANE Select); coding-DNA position 385, C replaced by T.
Protein change: p.Arg129Cys; replaces arginine 129 with cysteine.
Molecular consequence: missense variant.
Genome position (GRCh38, 1-based): chr1:55,007,109, C>T. VCF-style: chr1-55007109-C-T. GRCh37 (hg19) VCF-style: chr1-55472782-C-T.
Other names: short protein forms R129C.
Identifiers: ClinVar variation 3993365 (VCV003993365.2).
Genomic context (GRCh38, chr1:55,007,109, plus strand): 5'-CAGAGCCTGCCTGACTTCAGCCACATCCAGATGAAAGTCATGAGCTACAGTGAGGACCAC[C>T]GCTCCTTGCTGGCCCCTGAGATGGGGCAGCCGAAGCTGGGAACCAGTGATGGAGGAGAAG-3'
Protein context (NP_476517.1, residues 119-139): MKVMSYSEDH[Arg129Cys]SLLAPEMGQP